The following is an entry in ClinVar:

ClinVar aggregate classification (germline): Likely benign. Review status: criteria provided, multiple submitters, no conflicts (2 of 4 stars). 2 submissions from 2 submitters: Likely benign (2). Last evaluated 2025-09-23.

Conditions:
Osteogenesis imperfecta type 7 (OI7). Also called: OSTEOGENESIS IMPERFECTA, TYPE IIB; Osteogenesis imperfecta type 2B; OI type 2B; Osteogenesis imperfecta, perinatal lethal autosomal recessive; OI type IIB; OI type 7. Identifiers: MedGen C1853162, MONDO:0012536, OMIM 610682.
CRTAP-related disorder. Also called: CRTAP-related condition.

Allele frequency attached by ClinVar (database versions not stated): TOPMed below 0.00001; gnomAD 0.00001; ExAC 0.00050.
gnomAD v4.1: 50 of 1,472,894 alleles (0.0034%); highest among the groups gnomAD compares: South Asian, 0.064%; 2 homozygotes.

Submissions (2):

PreventionGenetics, part of Exact Sciences
Classification: Likely benign for CRTAP-related condition. Last evaluated: 2025-09-23. Review status: criteria provided, single submitter. Criteria: ACMG Guidelines, 2015. Collection method: clinical testing. Allele origin: germline.
Comment: This variant is classified as likely benign based on ACMG/AMP sequence variant interpretation guidelines (Richards et al. 2015 PMID: 25741868, with internal and published modifications).

Labcorp Genetics (formerly Invitae), Labcorp
Classification: Likely benign for Osteogenesis imperfecta type 7. Last evaluated: 2024-02-23. Review status: criteria provided, single submitter. Criteria: Invitae Variant Classification Sherloc (09022015). Collection method: clinical testing. Allele origin: germline.

NM_006371.5(CRTAP):c.24C>T (p.Ala8=)

Genes: CRTAP (cartilage associated protein; plus strand), LOC129936436 (ATAC-STARR-seq lymphoblastoid silent region 14183; plus strand). Cytogenetic location: 3p22.3.
Variant type: single nucleotide variant.
Coding change: c.24C>T on transcript NM_006371.5 (MANE Select); coding-DNA position 24, C replaced by T.
Protein change: p.Ala8=; no amino-acid change (alanine 8 retained).
Molecular consequence: synonymous variant.
Genome position (GRCh38, 1-based): chr3:33,114,101, C>T. VCF-style: chr3-33114101-C-T. GRCh37 (hg19) VCF-style: chr3-33155593-C-T.
Other names: c.24C>T, p.Ala8= (NM_001393365.1, NM_001393363.1, NM_001393364.1).
Identifiers: ClinVar variation 2919089 (VCV002919089.4), dbSNP rs781622392, ClinGen allele CA2300171.